The following is an entry in ClinVar:

NM_001195263.2(PDZD7):c.2713C>G (p.Leu905Val)

Gene: PDZD7 (PDZ domain containing 7; minus strand). Cytogenetic location: 10q24.31.
Variant type: single nucleotide variant.
Coding change: c.2713C>G on transcript NM_001195263.2 (MANE Select); coding-DNA position 2713, C replaced by G.
Protein change: p.Leu905Val; replaces leucine 905 with valine.
Molecular consequence: missense variant.
Genome position (GRCh38, 1-based): chr10:101,009,255, G>C on the plus strand (C>G on the coding strand, the complement: PDZD7 is on the minus strand). VCF-style: chr10-101009255-G-C. GRCh37 (hg19) VCF-style: chr10-102769012-G-C.
Other names: short protein forms L905V.
Identifiers: ClinVar variation 2131022 (VCV002131022.4), dbSNP rs2492773696, ClinGen allele CA378223513.
Genomic context (GRCh38, chr10:101,009,255, plus strand): 5'-CCTGCCTGGTTTCAGCTGTGCTCTGAGAGGGTGGGCCAGGGCATGCTTCACCCACCTGCA[G>C]GGCCCCACTGAGGAAAGCGGCCCCCCCAGGGAAGATCTTCTCTATCTTCACCATGGGCTG-3'
Protein context (NP_001182192.1, residues 895-915): PGGAAFLSGA[Leu905Val]QAGFELVAVD

ClinVar aggregate classification (germline): Uncertain significance (1 of 4 stars; one submission).

Submission:

Labcorp Genetics (formerly Invitae), Labcorp
Classification: Uncertain significance. Last evaluated: 2022-04-28. Review status: criteria provided, single submitter. Criteria: Invitae Variant Classification Sherloc (09022015). Collection method: clinical testing. Allele origin: germline.
Comment: In summary, the available evidence is currently insufficient to determine the role of this variant in disease. Therefore, it has been classified as a Variant of Uncertain Significance. Algorithms developed to predict the effect of missense changes on protein structure and function are either unavailable or do not agree on the potential impact of this missense change (SIFT: "Deleterious"; PolyPhen-2: "Not Available"; Align-GVGD: "Class C0"). This variant has not been reported in the literature in individuals affected with PDZD7-related conditions. This variant is not present in population databases (gnomAD no frequency). This sequence change replaces leucine, which is neutral and non-polar, with valine, which is neutral and non-polar, at codon 905 of the PDZD7 protein (p.Leu905Val).